The following is an entry in ClinVar:

NM_012106.4(ARL2BP):c.99G>A (p.Met33Ile)

Gene: ARL2BP (ARF like GTPase 2 binding protein; plus strand). Cytogenetic location: 16q13.
Variant type: single nucleotide variant.
Coding change: c.99G>A on transcript NM_012106.4 (MANE Select); coding-DNA position 99, G replaced by A.
Protein change: p.Met33Ile; replaces methionine 33 with isoleucine.
Molecular consequence: missense variant.
Genome position (GRCh38, 1-based): chr16:57,246,140, G>A. VCF-style: chr16-57246140-G-A. GRCh37 (hg19) VCF-style: chr16-57280052-G-A.
Other names: short protein forms M33I.
Identifiers: ClinVar variation 1348378 (VCV001348378.8), dbSNP rs2146425775, ClinGen allele CA396021411.

ClinVar aggregate classification (germline): Uncertain significance (1 of 4 stars; one submission).

Allele frequency attached by ClinVar (database versions not stated): gnomAD exomes below 0.00001.
gnomAD v4.1: 2 of 1,613,700 alleles (0.00012%); highest among the groups gnomAD compares: Non-Finnish European, 0.00017%; no homozygotes.

Submission:

Labcorp Genetics (formerly Invitae), Labcorp
Classification: Uncertain significance. Last evaluated: 2021-04-24. Review status: criteria provided, single submitter. Criteria: Invitae Variant Classification Sherloc (09022015). Collection method: clinical testing. Allele origin: germline.
Comment: This variant is not present in population databases (ExAC no frequency). In summary, the available evidence is currently insufficient to determine the role of this variant in disease. Therefore, it has been classified as a Variant of Uncertain Significance. Algorithms developed to predict the effect of missense changes on protein structure and function are either unavailable or do not agree on the potential impact of this missense change (SIFT: "Deleterious"; PolyPhen-2: "Benign"; Align-GVGD: "Class C0"). This variant has not been reported in the literature in individuals with ARL2BP-related conditions. This sequence change replaces methionine with isoleucine at codon 33 of the ARL2BP protein (p.Met33Ile). The methionine residue is highly conserved and there is a small physicochemical difference between methionine and isoleucine.